The following is an entry in ClinVar:

ClinVar aggregate classification (germline): Likely pathogenic (1 of 4 stars; one submission).

Allele frequency attached by ClinVar (database versions not stated): ExAC 0.00004; gnomAD exomes 0.00005 and 0.00008; gnomAD 0.00006; TOPMed 0.00006.
gnomAD v4.1: 108 of 1,468,024 alleles (0.0074%); highest among the groups gnomAD compares: Non-Finnish European, 0.0098%; no homozygotes.

Submission:

Labcorp Genetics (formerly Invitae), Labcorp
Classification: Likely pathogenic. Last evaluated: 2023-12-11. Review status: criteria provided, single submitter. Criteria: Invitae Variant Classification Sherloc (09022015). Collection method: clinical testing. Allele origin: germline.
Comment: This sequence change affects an acceptor splice site in intron 1 of the VPS13C gene. It is expected to disrupt RNA splicing. Variants that disrupt the donor or acceptor splice site typically lead to a loss of protein function (PMID: 16199547), and loss-of-function variants in VPS13C are known to be pathogenic (PMID: 26942284, 34875562). This variant is present in population databases (rs757475739, gnomAD 0.01%). This variant has not been reported in the literature in individuals affected with VPS13C-related conditions. ClinVar contains an entry for this variant (Variation ID: 1418054). Algorithms developed to predict the effect of sequence changes on RNA splicing suggest that this variant may disrupt the consensus splice site. In summary, the currently available evidence indicates that the variant is pathogenic, but additional data are needed to prove that conclusively. Therefore, this variant has been classified as Likely Pathogenic.

Literature cited by the submitters: PubMed 16199547; PubMed 26942284; PubMed 34875562.

NM_020821.3(VPS13C):c.101-1G>A

Gene: VPS13C (vacuolar protein sorting 13 homolog C; minus strand). Cytogenetic location: 15q22.2.
Variant type: single nucleotide variant.
Coding change: c.101-1G>A on transcript NM_020821.3 (MANE Select); the canonical splice acceptor site of the intron before coding-DNA position 101, G replaced by A.
Molecular consequence: splice acceptor variant.
Genome position (GRCh38, 1-based): chr15:62,044,256, C>T on the plus strand (G>A on the coding strand, the complement: VPS13C is on the minus strand). VCF-style: chr15-62044256-C-T. GRCh37 (hg19) VCF-style: chr15-62336455-C-T.
Other names: c.101-1G>A (NM_017684.5, NM_018080.4, NM_001018088.3).
Identifiers: ClinVar variation 1418054 (VCV001418054.6), dbSNP rs757475739, ClinGen allele CA7597690.